The following is an entry in ClinVar:

ClinVar aggregate classification (germline): Uncertain significance (1 of 4 stars; one submission).

Submission:

Ambry Genetics
Classification: Uncertain significance. Last evaluated: 2026-06-28. Review status: criteria provided, single submitter. Criteria: Ambry Variant Classification Scheme 2023. Collection method: clinical testing. Allele origin: germline.
Comment: The p.S598Y variant (also known as c.1793C>A), located in coding exon 13 of the GEN1 gene, results from a C to A substitution at nucleotide position 1793. The serine at codon 598 is replaced by tyrosine, an amino acid with dissimilar properties. This amino acid position is conserved. In addition, this alteration is predicted to be tolerated by in silico analysis. Based on the available evidence, the clinical significance of this variant remains unclear.

NM_001130009.3(GEN1):c.1793C>A (p.Ser598Tyr)

Gene: GEN1 (GEN1 structure-specific endonuclease; plus strand). Cytogenetic location: 2p24.2.
Variant type: single nucleotide variant.
Coding change: c.1793C>A on transcript NM_001130009.3 (MANE Select); coding-DNA position 1793, C replaced by A.
Protein change: p.Ser598Tyr; replaces serine 598 with tyrosine.
Molecular consequence: missense variant.
Genome position (GRCh38, 1-based): chr2:17,781,005, C>A. VCF-style: chr2-17781005-C-A. GRCh37 (hg19) VCF-style: chr2-17962272-C-A.
Other names: c.1793C>A, p.Ser598Tyr (NM_182625.5); short protein forms S598Y.
Identifiers: ClinVar variation 5022290 (VCV005022290.1).